The following is an entry in ClinVar:

NM_001009944.3(PKD1):c.8312_8331dup (p.Gly2778delinsArgSerProTer)

Gene: PKD1 (polycystin 1, transient receptor potential channel interacting; minus strand). Cytogenetic location: 16p13.3.
Variant type: Duplication.
Coding change: c.8312_8331dup on transcript NM_001009944.3 (MANE Select); coding-DNA positions 8312 to 8331, 20 bases duplicated (AGGAGCCCCTGACGCTGGCG).
Protein change: p.Gly2778delinsArgSerProTer.
Molecular consequence: nonsense. On other transcripts: frameshift variant (1).
Genome position (GRCh38, 1-based): chr16:2,103,726-2,103,745, CGCCAGCGTCAGGGGCTCCT duplicated on the plus strand (AGGAGCCCCTGACGCTGGCG on the coding strand, the reverse complement: PKD1 is on the minus strand); duplicating any 20 consecutive bases within chr16:2,103,726-2,103,747 gives the same sequence; the c. name uses the placement nearest the transcript's 3' end. VCF-style (leftmost placement, unchanged base first): chr16-2103725-C-CCGCCAGCGTCAGGGGCTCCT. GRCh37 (hg19) VCF-style: chr16-2153726-C-CCGCCAGCGTCAGGGGCTCCT.
Other names: c.8312_8331dup, p.Gly2778delinsArgSerProTer (NM_000296.4); c.8312_8331dup20 (NM_001009944.2).
Identifiers: ClinVar variation 4992614 (VCV004992614.1).
Genomic context (GRCh38, chr16:2,103,725, plus strand): 5'-CGCCATAGCACAGCAGGCTCCGCGGGTCCGAGCGCTTGCCCTGGGCCACGATCTCCTCGC[C>CCGCCAGCGTCAGGGGCTCCT]CGCCAGCGTCAGGGGCTCCTCGTTGAGCACGCGGGAGCGCATGAGGATGCGCATGAGGGC-3'

ClinVar aggregate classification (germline): Pathogenic (1 of 4 stars; one submission).

Conditions:
PKD1-related disorder. Also called: PKD1-related condition.

Submission:

PreventionGenetics, part of Exact Sciences
Classification: Pathogenic for PKD1-related condition. Last evaluated: 2025-12-13. Review status: criteria provided, single submitter. Criteria: ACMG Guidelines, 2015. Collection method: clinical testing. Allele origin: germline.
Comment: The PKD1 c.8312_8331dup20 variant is predicted to result in a frameshift and premature protein termination (p.Gly2778Argfs*4). This variant has been reported in an individual with autosomal dominant polycystic kidney disease (ADPKD) in a study of preimplantation genetic testing for monogenic disorders (PGT-M) for monogenic nephropathy (Supplemental Table 1, Liu et al. 2024. PubMed ID: 39802589). This variant has not been reported in a large population database (gnomAD), indicating this variant is rare. Frameshift variants in PKD1 are expected to be pathogenic. This variant is interpreted as pathogenic.